The following is an entry in ClinVar:

ClinVar aggregate classification (germline): Pathogenic/Likely pathogenic. Review status: criteria provided, multiple submitters, no conflicts (2 of 4 stars). 3 submissions from 3 submitters: Pathogenic (1); Likely pathogenic (1). 1 of the submissions does not count toward it. Last evaluated 2024-08-29.

Conditions:
Long QT syndrome (LQTS). Identifiers: MedGen C0023976, MeSH D008133, MONDO:0002442. Disease mechanism: loss of function. Inheritance: Various modes of inheritance.
Long QT syndrome 1 (LQT1). Identifiers: Orphanet 101016, Orphanet 768, MedGen C4551647, MONDO:0100316, OMIM 192500, MONDO:0008646.

Submissions (3):

GeneDx
Classification: Likely pathogenic. Last evaluated: 2024-08-29. Review status: criteria provided, single submitter. Criteria: GeneDx Variant Classification Process June 2021. Collection method: clinical testing. Allele origin: germline. Affected: yes.
Comment: Identified in a cohort of patients with LQTS in published literature (PMID: 16414944); Not observed at significant frequency in large population cohorts (gnomAD); Frameshift variant predicted to result in abnormal protein length as the last 106 amino acids are replaced with 21 different amino acids, and other similar variants have been reported in HGMD; This variant is associated with the following publications: (PMID: 16414944)

Labcorp Genetics (formerly Invitae), Labcorp
Classification: Pathogenic for Long QT syndrome. Last evaluated: 2023-03-18. Review status: criteria provided, single submitter. Criteria: Invitae Variant Classification Sherloc (09022015). Collection method: clinical testing. Allele origin: germline.
Comment: For these reasons, this variant has been classified as Pathogenic. This variant disrupts a region of the KCNQ1 protein in which other variant(s) ( p.Arg632Glnfs*20) have been determined to be pathogenic (PMID: 10024302, 16981927, 19825999, 23098067, 23631430, 25187895). This suggests that this is a clinically significant region of the protein, and that variants that disrupt it are likely to be disease-causing. ClinVar contains an entry for this variant (Variation ID: 53011). This premature translational stop signal has been observed in individual(s) with long QT syndrome (PMID: 16414944). This variant is not present in population databases (gnomAD no frequency). This sequence change creates a premature translational stop signal (p.Ser571Hisfs*22) in the KCNQ1 gene. While this is not anticipated to result in nonsense mediated decay, it is expected to disrupt the last 106 amino acid(s) of the KCNQ1 protein.

ClinVar Staff, National Center for Biotechnology Information (NCBI)
No classification provided. Condition: Long QT syndrome, LQT1 subtype. Review status: no classification provided. Collection method: literature only. Allele origin: germline. Affected: yes. Not counted in ClinVar's aggregate classification.

Literature cited by the submitters: PubMed 10024302 (cited by Labcorp Genetics (formerly Invitae), Labcorp); PubMed 16981927 (cited by Labcorp Genetics (formerly Invitae), Labcorp); PubMed 19825999 (cited by Labcorp Genetics (formerly Invitae), Labcorp); PubMed 23098067 (cited by Labcorp Genetics (formerly Invitae), Labcorp); PubMed 23631430 (cited by Labcorp Genetics (formerly Invitae), Labcorp); PubMed 25187895 (cited by Labcorp Genetics (formerly Invitae), Labcorp); PubMed 16414944 (cited by Labcorp Genetics (formerly Invitae), Labcorp and ClinVar Staff, National Center for Biotechnology Information (NCBI)).

NM_000218.3(KCNQ1):c.1710del (p.Ser571fs)

Gene: KCNQ1 (potassium voltage-gated channel subfamily Q member 1; plus strand). Cytogenetic location: 11p15.5.
Variant type: Deletion.
Coding change: c.1710del on transcript NM_000218.3 (MANE Select); coding-DNA position 1710, one base deleted (C; older notation c.1710delC).
Protein change: p.Ser571fs; shifts the reading frame from serine 571.
Molecular consequence: frameshift variant.
Genome position (GRCh38, 1-based): chr11:2,777,010, C deleted; the last of 3 consecutive C bases (chr11:2,777,008-2,777,010); deleting any one gives the same sequence. VCF-style (leftmost placement, unchanged base first): chr11-2777007-GC-G. GRCh37 (hg19) VCF-style: chr11-2798237-GC-G.
Other names: c.1710delC, p.Ser571Hisfs (NM_000218.2); c.1614delC, p.Ser539Hisfs (NM_001406836.1); c.1440delC, p.Ser481Hisfs (NM_001406837.1); c.1170delC, p.Ser391Hisfs (NM_001406838.1); c.1329delC, p.Ser444Hisfs (NM_181798.2); c.1710del (NM_000218.2); short protein forms S571fs, S444fs.
Identifiers: ClinVar variation 53011 (VCV000053011.7), dbSNP rs397508099, ClinGen allele CA006267.